The following is an entry in ClinVar:

NM_001037333.3(CYFIP2):c.679del (p.Gln227fs)

Gene: CYFIP2 (cytoplasmic FMR1 interacting protein 2; plus strand). Cytogenetic location: 5q33.3.
Variant type: Deletion.
Coding change: c.679del on transcript NM_001037333.3 (MANE Select); coding-DNA position 679, one base deleted (C; older notation c.679delC).
Protein change: p.Gln227fs; shifts the reading frame from glutamine 227.
Molecular consequence: frameshift variant.
Genome position (GRCh38, 1-based): chr5:157,304,250, C deleted. VCF-style (leftmost placement, unchanged base first): chr5-157304249-GC-G. GRCh37 (hg19) VCF-style: chr5-156731257-GC-G.
Other names: p.Gln227fs; c.601del, p.Gln201fs (NM_001291721.2); c.679del, p.Gln227fs (NM_001291722.2, NM_014376.4); c.679delC (NM_001291722.2); short protein forms Q201fs, Q227fs.
Identifiers: ClinVar variation 4871901 (VCV004871901.1).

ClinVar aggregate classification (germline): Uncertain significance (1 of 4 stars; one submission).

Conditions:
Developmental and epileptic encephalopathy, 65. Also called: EPILEPTIC ENCEPHALOPATHY, EARLY INFANTILE, 65. Identifiers: MedGen C4693925, MONDO:0033374, OMIM 618008.

Submission:

Centre for Mendelian Genomics, University Medical Centre Ljubljana
Classification: Uncertain significance for Developmental and epileptic encephalopathy, 65. Last evaluated: 2026-07-22. Review status: criteria provided, single submitter. Criteria: ACMG Guidelines, 2015. Collection method: clinical testing. Allele origin: germline. Affected: yes. Observed: 1 variant allele.
Comment: The c.679delC (p.Gln227fs) variant in CYFIP2 has not previously been reported in association with human disease in the biomedical literature; however, the following lines of evidence favor its pathogenicity. The variant is absent from control populations in gnomAD [PM2]. In silico pathogenicity prediction algorithms uniformly predict the variant as pathogenic [PP3]. Although the typical mechanism of CYFIP2-related disorders is missense variation, individuals with milder phenotypes carrying putative loss-of-function variants have also been described in the literature (PMID:33149277). The available evidence in the biomedical literature and databases is currently insufficient to assert whether the identified variant is pathogenic or a benign polymorphism. We therefore classify it as a variant of uncertain significance.

Literature cited by the submitters: PubMed 33149277.